The following is an entry in ClinVar:

NM_001348716.2(KDM6B):c.2278_2336del (p.Thr760fs)

Gene: KDM6B (lysine demethylase 6B; plus strand). Cytogenetic location: 17p13.1.
Variant type: Deletion.
Coding change: c.2278_2336del on transcript NM_001348716.2 (MANE Select); coding-DNA positions 2278 to 2336, 59 bases deleted.
Protein change: p.Thr760fs; shifts the reading frame from threonine 760.
Molecular consequence: frameshift variant.
Genome position (GRCh38, 1-based): chr17:7,848,566-7,848,624, 59 bases deleted. GRCh37 (hg19): chr17:7,751,884-7,751,942.
Other names: c.2278_2336del, p.Thr760fs (NM_001080424.2); short protein forms T760fs.
Identifiers: ClinVar variation 3251100 (VCV003251100.18), dbSNP rs2544526812.

ClinVar aggregate classification (germline): Pathogenic (1 of 4 stars; one submission).

Submission:

CeGaT Center for Human Genetics Tuebingen
Classification: Pathogenic. Last evaluated: 2024-06-01. Review status: criteria provided, single submitter. Criteria: CeGaT Center For Human Genetics Tuebingen Variant Classification Criteria Version 2. Collection method: clinical testing. Allele origin: germline. Affected: yes. Observed: 1 variant allele.
Comment: KDM6B: PVS1, PM2